The following is an entry in ClinVar:

NM_015474.4(SAMHD1):c.1580A>G (p.Asn527Ser)

Gene: SAMHD1 (SAM and HD domain containing deoxynucleoside triphosphate triphosphohydrolase 1; minus strand). Cytogenetic location: 20q11.23.
Variant type: single nucleotide variant.
Coding change: c.1580A>G on transcript NM_015474.4 (MANE Select); coding-DNA position 1580, A replaced by G.
Protein change: p.Asn527Ser; replaces asparagine 527 with serine.
Molecular consequence: missense variant. On other transcripts: intron variant (1).
Genome position (GRCh38, 1-based): chr20:36,898,468, T>C on the plus strand (A>G on the coding strand, the complement: SAMHD1 is on the minus strand). VCF-style: chr20-36898468-T-C. GRCh37 (hg19) VCF-style: chr20-35526871-T-C.
Other names: c.1504-509A>G (NM_001363729.2); c.1580A>G, p.Asn527Ser (NM_001363733.2); short protein forms N527S.
Identifiers: ClinVar variation 2099491 (VCV002099491.3), dbSNP rs2515218934, ClinGen allele CA408840137.

ClinVar aggregate classification (germline): Uncertain significance (1 of 4 stars; one submission).

Conditions:
Aicardi-Goutieres syndrome 5. Identifiers: Orphanet 51, MedGen C2749659, MONDO:0013059, OMIM 612952.

Allele frequency attached by ClinVar (database versions not stated): gnomAD exomes below 0.00001.
gnomAD v4.1: 1 of 1,613,896 alleles (0.000062%); highest among the groups gnomAD compares: Non-Finnish European, 0.000085%; no homozygotes.

Submission:

Labcorp Genetics (formerly Invitae), Labcorp
Classification: Uncertain significance for Aicardi-Goutieres syndrome 5. Last evaluated: 2022-02-19. Review status: criteria provided, single submitter. Criteria: Invitae Variant Classification Sherloc (09022015). Collection method: clinical testing. Allele origin: germline.
Comment: This variant has not been reported in the literature in individuals affected with SAMHD1-related conditions. Algorithms developed to predict the effect of missense changes on protein structure and function output the following: SIFT: "Tolerated"; PolyPhen-2: "Benign"; Align-GVGD: "Class C0". The serine amino acid residue is found in multiple mammalian species, which suggests that this missense change does not adversely affect protein function. In summary, the available evidence is currently insufficient to determine the role of this variant in disease. Therefore, it has been classified as a Variant of Uncertain Significance. This variant is not present in population databases (gnomAD no frequency). This sequence change replaces asparagine, which is neutral and polar, with serine, which is neutral and polar, at codon 527 of the SAMHD1 protein (p.Asn527Ser).